The following is an entry in ClinVar:

NM_019032.6(ADAMTSL4):c.2426G>A (p.Arg809His)

Gene: ADAMTSL4 (ADAMTS like 4; plus strand). Cytogenetic location: 1q21.2.
Variant type: single nucleotide variant.
Coding change: c.2426G>A on transcript NM_019032.6 (MANE Select); coding-DNA position 2426, G replaced by A.
Protein change: p.Arg809His; replaces arginine 809 with histidine.
Molecular consequence: missense variant.
Genome position (GRCh38, 1-based): chr1:150,558,516, G>A. VCF-style: chr1-150558516-G-A. GRCh37 (hg19) VCF-style: chr1-150530992-G-A.
Other names: c.2309G>A, p.Arg770His (NM_001288607.2); c.2495G>A, p.Arg832His (NM_001288608.2); c.2426G>A, p.Arg809His (NM_001378596.1, NM_025008.5); c.2426G>A (NM_019032.4); short protein forms R832H, R770H, R809H.
Identifiers: ClinVar variation 1986339 (VCV001986339.2), dbSNP rs753729179, ClinGen allele CA1078674.

ClinVar aggregate classification (germline): Uncertain significance. Review status: criteria provided, multiple submitters, no conflicts (2 of 4 stars). 2 submissions from 2 submitters: Uncertain significance (2). Last evaluated 2025-04-11.

Conditions:
Inborn genetic diseases. Identifiers: MedGen C0950123, MeSH D030342.

Allele frequency attached by ClinVar (database versions not stated): TOPMed 0.00001; gnomAD 0.00004; ExAC 0.00003.
gnomAD v4.1: 51 of 1,613,696 alleles (0.0032%); highest among the groups gnomAD compares: East Asian, 0.0089%; no homozygotes.

Submissions (2):

Ambry Genetics
Classification: Uncertain significance for Inborn genetic diseases. Last evaluated: 2025-04-11. Review status: criteria provided, single submitter. Criteria: Ambry Variant Classification Scheme 2023. Collection method: clinical testing. Allele origin: germline.

Labcorp Genetics (formerly Invitae), Labcorp
Classification: Uncertain significance. Last evaluated: 2022-05-13. Review status: criteria provided, single submitter. Criteria: Invitae Variant Classification Sherloc (09022015). Collection method: clinical testing. Allele origin: germline.
Comment: This sequence change replaces arginine, which is basic and polar, with histidine, which is basic and polar, at codon 809 of the ADAMTSL4 protein (p.Arg809His). This variant is present in population databases (rs753729179, gnomAD 0.01%). This variant has not been reported in the literature in individuals affected with ADAMTSL4-related conditions. Algorithms developed to predict the effect of missense changes on protein structure and function (SIFT, PolyPhen-2, Align-GVGD) all suggest that this variant is likely to be disruptive. In summary, the available evidence is currently insufficient to determine the role of this variant in disease. Therefore, it has been classified as a Variant of Uncertain Significance.